The following is an entry in ClinVar:

ClinVar aggregate classification (germline): Uncertain significance (1 of 4 stars; one submission).

Conditions:
Atypical hemolytic-uremic syndrome. Identifiers: Orphanet 2134, MedGen C2931788, MONDO:0016244.

Submission:

Genomenon, Inc
Classification: Uncertain significance for Atypical hemolytic-uremic syndrome. Last evaluated: 2025-10-02. Review status: criteria provided, single submitter. Criteria: Genomenon Sequence Variant Interpretation Standards - Updated. Collection method: curation. Allele origin: germline. Affected: yes.
Comment: CFH p.Asn1140Tyr (c.3418A>T) is a missense variant that changes the amino acid at residue 1140 from Asparagine to Tyrosine. This variant has been observed in at least one proband affected with atypical hemolytic-uremic syndrome (PMID:15661753). It is absent or not present at a significant frequency in gnomAD. In silico models agree that this variant is not damaging. In conclusion, we classify CFH p.Asn1140Tyr (c.3418A>T) as a variant of uncertain significance.

Literature cited by the submitters: PubMed 15661753.

NM_000186.4(CFH):c.3418A>T (p.Asn1140Tyr)

Gene: CFH (complement factor H; plus strand). Cytogenetic location: 1q31.3.
Variant type: single nucleotide variant.
Coding change: c.3418A>T on transcript NM_000186.4 (MANE Select); coding-DNA position 3418, A replaced by T.
Protein change: p.Asn1140Tyr; replaces asparagine 1140 with tyrosine.
Molecular consequence: missense variant.
Genome position (GRCh38, 1-based): chr1:196,745,924, A>T. VCF-style: chr1-196745924-A-T. GRCh37 (hg19) VCF-style: chr1-196715054-A-T.
Other names: short protein forms N1140Y.
Identifiers: ClinVar variation 4291568 (VCV004291568.1).
Genomic context (GRCh38, chr1:196,745,924, plus strand): 5'-ATTACTTCATTCCCGTTGTCAGTATATGCTCCAGCTTCATCAGTTGAGTACCAATGCCAG[A>T]ACTTGTATCAACTTGAGGGTAACAAGCGAATAACATGTAGAAATGGACAATGGTCAGAAC-3'
Protein context (NP_000177.2, residues 1130-1150): PASSVEYQCQ[Asn1140Tyr]LYQLEGNKRI